The following is an entry in ClinVar:

ClinVar aggregate classification (germline): Pathogenic (0 of 4 stars; one submission).

Submission:

Quest Diagnostics Nichols Institute San Juan Capistrano
Classification: Pathogenic. Last evaluated: 2021-03-01. Review status: no assertion criteria provided. Collection method: clinical testing. Allele origin: germline.
Comment: This copy number gain includes the PMP22 gene (OMIM 601097) and is consistent with Charcot-Marie-Tooth disease type 1A (OMIM 118220). Duplication of PMP22 accounts for 70-80% of all Charcot-Marie-Tooth neuropathy type 1 (CMT1), a demyelinating peripheral neuropathy characterized by distal muscle weakness, atrophy, sensory loss, and slow nerve conduction velocity. The penetrance of this duplication is thought to be near 100%; however, age of onset and severity of the condition are variable, and some carriers are not clinically recognized. Approximately two thirds of PMP22 duplications are inherited. See GeneReviews for additional information and references.

GRCh37/hg19 17p12(chr17:14076430-15491532)x3

Genes: CDRT15 (CMT1A duplicated region transcript 15; minus strand), CDRT4 (CMT1A duplicated region transcript 4; minus strand), COX10 (cytochrome c oxidase assembly factor heme A:farnesyltransferase COX10; plus strand), HS3ST3B1 (heparan sulfate-glucosamine 3-sulfotransferase 3B1; plus strand), PMP22 (peripheral myelin protein 22; minus strand) and 3 more. Cytogenetic location: 17p12.
Variant type: copy number gain.
Change: copy number 3 (three copies instead of two) of chr17:14,076,430-15,491,532 (1.42 Mb, GRCh37 coordinates, 1-based), cytogenetic band 17p12.
Identifiers: ClinVar variation 564401 (VCV000564401.4).